The following is an entry in ClinVar:

ClinVar aggregate classification (germline): Conflicting classifications of pathogenicity. Review status: criteria provided, conflicting classifications (1 of 4 stars). 2 submissions from 2 submitters: Uncertain significance (1); Likely benign (1). Last evaluated 2025-11-02.

Conditions:
Inborn genetic diseases. Identifiers: MedGen C0950123, MeSH D030342.

Allele frequency attached by ClinVar (database versions not stated): gnomAD exomes 0.00001; ExAC 0.00002; TOPMed 0.00004.
gnomAD v4.1: 16 of 1,595,312 alleles (0.001%); highest among the groups gnomAD compares: South Asian, 0.0055%; 1 homozygote.

Submissions (2):

Ambry Genetics
Classification: Uncertain significance for Inborn genetic diseases. Last evaluated: 2025-11-02. Review status: criteria provided, single submitter. Criteria: Ambry Variant Classification Scheme 2023. Collection method: clinical testing. Allele origin: germline.

CeGaT Center for Human Genetics Tuebingen
Classification: Likely benign. Last evaluated: 2023-03-01. Review status: criteria provided, single submitter. Criteria: CeGaT Center For Human Genetics Tuebingen Variant Classification Criteria Version 2. Collection method: clinical testing. Allele origin: germline. Affected: yes. Observed: 1 variant allele.
Comment: DVL1: BP4

NM_001330311.2(DVL1):c.1876C>T (p.Arg626Cys)

Gene: DVL1 (dishevelled segment polarity protein 1; minus strand). Cytogenetic location: 1p36.33.
Variant type: single nucleotide variant.
Coding change: c.1876C>T on transcript NM_001330311.2 (MANE Select); coding-DNA position 1876, C replaced by T.
Protein change: p.Arg626Cys; replaces arginine 626 with cysteine.
Molecular consequence: missense variant.
Genome position (GRCh38, 1-based): chr1:1,336,354, G>A on the plus strand (C>T on the coding strand, the complement: DVL1 is on the minus strand). VCF-style: chr1-1336354-G-A. GRCh37 (hg19) VCF-style: chr1-1271734-G-A.
Other names: c.1801C>T, p.Arg601Cys (NM_004421.3); c.1801C>T (NM_004421.2); short protein forms R601C, R626C.
Identifiers: ClinVar variation 2638003 (VCV002638003.25), dbSNP rs772591531, ClinGen allele CA519796.